The following is an entry in ClinVar:

ClinVar aggregate classification (germline): Benign. Review status: criteria provided, multiple submitters, no conflicts (2 of 4 stars). 5 submissions from 5 submitters: Benign (5). Last evaluated 2026-01-18.

Allele frequency attached by ClinVar (database versions not stated): 1000 Genomes Project 0.00998; 1000 Genomes Project 30x 0.00999; TOPMed 0.01301; ESP Exome Variant Server 0.01499; gnomAD 0.01544 and 0.01554; gnomAD exomes 0.01801 and 0.02146; ExAC 0.01871.
gnomAD v4.1: 33,566 of 1,613,988 alleles (2.1%); highest among the groups gnomAD compares: South Asian, 2.6%; 444 homozygotes.

Submissions (5):

Labcorp Genetics (formerly Invitae), Labcorp
Classification: Benign. Last evaluated: 2026-01-18. Review status: criteria provided, single submitter. Criteria: Invitae Variant Classification Sherloc (09022015). Collection method: clinical testing. Allele origin: germline.

Mayo Clinic Laboratories, Mayo Clinic
Classification: Benign. Last evaluated: 2019-05-15. Review status: criteria provided, single submitter. Criteria: ACMG Guidelines, 2015. Collection method: clinical testing. Allele origin: germline. Observed: 13 variant alleles.

GeneDx
Classification: Benign. Last evaluated: 2019-01-28. Review status: criteria provided, single submitter. Criteria: GeneDx Variant Classification Process June 2021. Collection method: clinical testing. Allele origin: germline. Affected: yes.

Athena Diagnostics
Classification: Benign. Last evaluated: 2018-08-31. Review status: criteria provided, single submitter. Criteria: Athena Diagnostics Criteria. Collection method: clinical testing. Allele origin: germline.

Laboratory for Molecular Medicine, Mass General Brigham Personalized Medicine
Classification: Benign. Last evaluated: 2017-08-23. Review status: criteria provided, single submitter. Criteria: LMM Criteria. Collection method: clinical testing. Allele origin: germline. Observed: 8 variant alleles.
Comment: p.Phe518Phe in exon 8 of ADCY1: This variant is not expected to have clinical si gnificance because it does not alter an amino acid residue, is not located withi n the splice consensus sequence, and has been identified in 2.67% (420/15720) of South Asian chromosomes by the Exome Aggregation Consortium (ExAC.; dbSNP rs61729596).

NM_021116.4(ADCY1):c.1554C>T (p.Phe518=)

Gene: ADCY1 (adenylate cyclase 1; plus strand). Cytogenetic location: 7p12.3.
Variant type: single nucleotide variant.
Coding change: c.1554C>T on transcript NM_021116.4 (MANE Select); coding-DNA position 1554, C replaced by T.
Protein change: p.Phe518=; no amino-acid change (phenylalanine 518 retained).
Molecular consequence: synonymous variant.
Genome position (GRCh38, 1-based): chr7:45,662,163, C>T. VCF-style: chr7-45662163-C-T. GRCh37 (hg19) VCF-style: chr7-45701762-C-T.
Other names: p.Phe518=; c.879C>T, p.Phe293= (NM_001281768.2).
Identifiers: ClinVar variation 517531 (VCV000517531.16), dbSNP rs61729596, ClinGen allele CA4248974.
Genomic context (GRCh38, chr7:45,662,163, plus strand): 5'-GATGAAGTTCAAGACTGTCTGCTACCTGCTGGTGCAGCTCATGCACTGCCGGAAAATGTT[C>T]AAGGCCGAGATCCCCTTCTCCAATGTCATGACCTGCGAGGACGATGACAAGGTAGGAGCA-3'
Protein context (NP_066939.1, residues 508-528): LVQLMHCRKM[Phe518=]KAEIPFSNVM